The following is an entry in ClinVar:

NM_000812.4(GABRB1):c.744G>A (p.Leu248=)

Gene: GABRB1 (gamma-aminobutyric acid type A receptor subunit beta1; plus strand). Cytogenetic location: 4p12.
Variant type: single nucleotide variant.
Coding change: c.744G>A on transcript NM_000812.4 (MANE Select); coding-DNA position 744, G replaced by A.
Protein change: p.Leu248=; no amino-acid change (leucine 248 retained).
Molecular consequence: synonymous variant.
Genome position (GRCh38, 1-based): chr4:47,403,620, G>A. VCF-style: chr4-47403620-G-A. GRCh37 (hg19) VCF-style: chr4-47405637-G-A.
Identifiers: ClinVar variation 2654747 (VCV002654747.24), dbSNP rs2475460685, ClinGen allele CA439402651.

ClinVar aggregate classification (germline): Likely benign (1 of 4 stars; one submission).

Allele frequency attached by ClinVar (database versions not stated): gnomAD exomes below 0.00001.
gnomAD v4.1: 1 of 1,613,934 alleles (0.000062%); highest among the groups gnomAD compares: Non-Finnish European, 0.000085%; no homozygotes.

Submission:

CeGaT Center for Human Genetics Tuebingen
Classification: Likely benign. Last evaluated: 2023-02-01. Review status: criteria provided, single submitter. Criteria: CeGaT Center For Human Genetics Tuebingen Variant Classification Criteria Version 2. Collection method: clinical testing. Allele origin: germline. Affected: yes. Observed: 1 variant allele.
Comment: GABRB1: PM2:Supporting, BP4, BP7